The following is an entry in ClinVar:

NM_004168.4(SDHA):c.313-19_313-18insT

Gene: SDHA (succinate dehydrogenase complex flavoprotein subunit A; plus strand). Cytogenetic location: 5p15.33.
Variant type: Insertion.
Coding change: c.313-19_313-18insT on transcript NM_004168.4 (MANE Select); 19 bases into the intron before coding-DNA position 313 through 18 bases into the intron before coding-DNA position 313, T inserted.
Molecular consequence: intron variant.
Genome position: GRCh38 VCF-style: chr5-225400-G-GT. GRCh37 (hg19) VCF-style: chr5-225515-G-GT.
Other names: c.313-19_313-18insT (NM_001330758.2); c.313-483_313-482insT (NM_001294332.2).
Identifiers: ClinVar variation 3904624 (VCV003904624.1).

ClinVar aggregate classification (germline): Likely benign (1 of 4 stars; one submission).

Conditions:
Pheochromocytoma/paraganglioma syndrome 5. Also called: Paragangliomas 5; SDHA-Related Hereditary Paraganglioma-Pheochromocytoma Syndrome. Identifiers: Orphanet 29072, MedGen C3279992, MONDO:0013602, OMIM 614165.

Submission:

Myriad Genetics, Inc.
Classification: Likely benign for Pheochromocytoma/paraganglioma syndrome 5. Last evaluated: 2025-02-28. Review status: criteria provided, single submitter. Criteria: Myriad Autosomal Dominant, Autosomal Recessive and X-Linked Classification Criteria (2023). Collection method: clinical testing. Allele origin: unknown.
Comment: This variant is considered likely benign. This variant is intronic and is not expected to impact mRNA splicing.